The following is an entry in ClinVar:

NM_194255.4(SLC19A1):c.944_947dup (p.Gly317fs)

Gene: SLC19A1 (solute carrier family 19 member 1; minus strand). Cytogenetic location: 21q22.3.
Variant type: Duplication.
Coding change: c.944_947dup on transcript NM_194255.4 (MANE Select); coding-DNA positions 944 to 947, 4 bases duplicated (TGCT; older notation c.944_947dupTGCT).
Protein change: p.Gly317fs; shifts the reading frame from glycine 317.
Molecular consequence: frameshift variant.
Genome position (GRCh38, 1-based): chr21:45,531,391-45,531,394, AGCA duplicated on the plus strand (TGCT on the coding strand, the reverse complement: SLC19A1 is on the minus strand). VCF-style (leftmost placement, unchanged base first): chr21-45531390-C-CAGCA. GRCh37 (hg19) VCF-style: chr21-46951304-C-CAGCA.
Other names: c.944_947dup, p.Gly317fs (NM_001205206.4, NM_001352511.3, NM_001352512.2); c.824_827dup, p.Gly277fs (NM_001205207.3); c.590_593dup, p.Gly199fs (NM_001352510.2); c.944_947dupTGCT (NM_194255.4); short protein forms G199fs, G277fs, G317fs.
Identifiers: ClinVar variation 1421050 (VCV001421050.7), dbSNP rs768159982, ClinGen allele CA10068491.

ClinVar aggregate classification (germline): Uncertain significance. Review status: criteria provided, multiple submitters, no conflicts (2 of 4 stars). 2 submissions from 2 submitters: Uncertain significance (2). Last evaluated 2025-12-29.

Allele frequency attached by ClinVar (database versions not stated): gnomAD 0.00001; gnomAD exomes 0.00003 and 0.00004; TOPMed 0.00003; ExAC 0.00004.

Submissions (2):

Center for Genomic Medicine, Rigshospitalet, Copenhagen University Hospital
Classification: Uncertain significance. Last evaluated: 2025-12-29. Review status: criteria provided, single submitter. Criteria: ACMG Guidelines, 2015. Collection method: clinical testing. Allele origin: germline.
Comment: Classification criteria: PM2_Supporting

Labcorp Genetics (formerly Invitae), Labcorp
Classification: Uncertain significance. Last evaluated: 2025-06-20. Review status: criteria provided, single submitter. Criteria: Invitae Variant Classification Sherloc (09022015). Collection method: clinical testing. Allele origin: germline.
Comment: This sequence change creates a premature translational stop signal (p.Gly317Alafs*78) in the SLC19A1 gene. It is expected to result in an absent or disrupted protein product. However, the current clinical and genetic evidence is not sufficient to establish whether loss-of-function variants in SLC19A1 cause disease. This variant is present in population databases (rs768159982, gnomAD 0.01%). This variant has not been reported in the literature in individuals affected with SLC19A1-related conditions. ClinVar contains an entry for this variant (Variation ID: 1421050). In summary, the available evidence is currently insufficient to determine the role of this variant in disease. Therefore, it has been classified as a Variant of Uncertain Significance.

Literature cited by the submitters: PubMed 32276275 (cited by Center for Genomic Medicine, Rigshospitalet, Copenhagen University Hospital).